The following is an entry in ClinVar:

NM_031885.5(BBS2):c.941-8C>G

Gene: BBS2 (Bardet-Biedl syndrome 2; minus strand). Cytogenetic location: 16q13.
Variant type: single nucleotide variant.
Coding change: c.941-8C>G on transcript NM_031885.5 (MANE Select); 8 bases into the intron before coding-DNA position 941, C replaced by G.
Molecular consequence: intron variant.
Genome position (GRCh38, 1-based): chr16:56,502,464, G>C on the plus strand (C>G on the coding strand, the complement: BBS2 is on the minus strand). VCF-style: chr16-56502464-G-C. GRCh37 (hg19) VCF-style: chr16-56536376-G-C.
Other names: c.941-8C>G (NM_001377456.1, NM_031885.3).
Identifiers: ClinVar variation 1153892 (VCV001153892.12), dbSNP rs373354290, ClinGen allele CA8065861.

ClinVar aggregate classification (germline): Likely benign. Review status: criteria provided, multiple submitters, no conflicts (2 of 4 stars). 4 submissions from 4 submitters: Likely benign (3). 1 of the submissions does not count toward it. Last evaluated 2025-02-10.

Conditions:
Bardet-Biedl syndrome (BBS). Identifiers: Orphanet 110, MedGen C0752166, MONDO:0015229.
Retinitis pigmentosa 74 (RP74). Identifiers: Orphanet 791, MedGen C4225281, MONDO:0014692, OMIM 616562.
Bardet-Biedl syndrome 2 (BBS2). Identifiers: Orphanet 110, MedGen C2936863, MONDO:0014432, OMIM 615981.
BBS2-related disorder. Also called: BBS2-related disorders; BBS2-related condition. Identifiers: MedGen CN239228.

Allele frequency attached by ClinVar (database versions not stated): ESP Exome Variant Server 0.00015.
gnomAD v4.1: 23 of 1,614,006 alleles (0.0014%); highest among the groups gnomAD compares: African/African-American, 0.028%; no homozygotes.

Submissions (4):

Labcorp Genetics (formerly Invitae), Labcorp
Classification: Likely benign for Bardet-Biedl syndrome. Last evaluated: 2025-02-10. Review status: criteria provided, single submitter. Criteria: Invitae Variant Classification Sherloc (09022015). Collection method: clinical testing. Allele origin: germline.

Blueprint Genetics
Classification: Likely benign. Last evaluated: 2024-07-15. Review status: criteria provided, single submitter. Criteria: ACMG Guidelines, 2015. Collection method: clinical testing. Allele origin: germline.

Fulgent Genetics
Classification: Likely benign for Bardet-Biedl syndrome 2; Retinitis pigmentosa 74. Last evaluated: 2022-02-25. Review status: criteria provided, single submitter. Criteria: ACMG Guidelines, 2015. Collection method: clinical testing. Allele origin: unknown.

PreventionGenetics, part of Exact Sciences
Classification: Likely benign for BBS2-related condition. Last evaluated: 2021-02-16. Review status: no assertion criteria provided. Collection method: clinical testing. Allele origin: germline. Not counted in ClinVar's aggregate classification.
Comment: This variant is classified as likely benign based on ACMG/AMP sequence variant interpretation guidelines (Richards et al. 2015 PMID: 25741868, with internal and published modifications).